The following is an entry in ClinVar:

NM_012463.4(ATP6V0A2):c.1988T>A (p.Leu663His)

Gene: ATP6V0A2 (ATPase H+ transporting V0 subunit a2; plus strand). Cytogenetic location: 12q24.31.
Variant type: single nucleotide variant.
Coding change: c.1988T>A on transcript NM_012463.4 (MANE Select); coding-DNA position 1988, T replaced by A.
Protein change: p.Leu663His; replaces leucine 663 with histidine.
Molecular consequence: missense variant.
Genome position (GRCh38, 1-based): chr12:123,751,162, T>A. VCF-style: chr12-123751162-T-A. GRCh37 (hg19) VCF-style: chr12-124235709-T-A.
Other names: c.1988T>A (NM_012463.3); short protein forms L663H.
Identifiers: ClinVar variation 1949714 (VCV001949714.5), dbSNP rs901929976, ClinGen allele CA245204090.

ClinVar aggregate classification (germline): Uncertain significance. Review status: criteria provided, multiple submitters, no conflicts (2 of 4 stars). 2 submissions from 2 submitters: Uncertain significance (2). Last evaluated 2025-12-03.

Conditions:
Inborn genetic diseases. Identifiers: MedGen C0950123, MeSH D030342.
ALG9 congenital disorder of glycosylation (CDG1L). Also called: CDG Il; ALG9-CDG; CONGENITAL DISORDER OF GLYCOSYLATION, TYPE Il. Identifiers: Orphanet 79328, MedGen C2931006, MONDO:0012117, OMIM 608776.

Allele frequency attached by ClinVar (database versions not stated): gnomAD 0.00001; gnomAD exomes 0.00001; TOPMed 0.00001.
gnomAD v4.1: 10 of 1,614,082 alleles (0.00062%); highest among the groups gnomAD compares: East Asian, 0.0022%; no homozygotes.

Submissions (2):

Ambry Genetics
Classification: Uncertain significance for Inborn genetic diseases. Last evaluated: 2025-12-03. Review status: criteria provided, single submitter. Criteria: Ambry Variant Classification Scheme 2023. Collection method: clinical testing. Allele origin: germline.

Labcorp Genetics (formerly Invitae), Labcorp
Classification: Uncertain significance for ALG9 congenital disorder of glycosylation. Last evaluated: 2022-03-23. Review status: criteria provided, single submitter. Criteria: Invitae Variant Classification Sherloc (09022015). Collection method: clinical testing. Allele origin: germline.
Comment: This sequence change replaces leucine, which is neutral and non-polar, with histidine, which is basic and polar, at codon 663 of the ATP6V0A2 protein (p.Leu663His). This variant is not present in population databases (gnomAD no frequency). This variant has not been reported in the literature in individuals affected with ATP6V0A2-related conditions. Algorithms developed to predict the effect of missense changes on protein structure and function (SIFT, PolyPhen-2, Align-GVGD) all suggest that this variant is likely to be disruptive. In summary, the available evidence is currently insufficient to determine the role of this variant in disease. Therefore, it has been classified as a Variant of Uncertain Significance.